The following is an entry in ClinVar:

NM_139137.4(KCNC2):c.1424A>C (p.Asn475Thr)

Gene: KCNC2 (potassium voltage-gated channel subfamily C member 2; minus strand). Cytogenetic location: 12q21.1.
Variant type: single nucleotide variant.
Coding change: c.1424A>C on transcript NM_139137.4 (MANE Select); coding-DNA position 1424, A replaced by C.
Protein change: p.Asn475Thr; replaces asparagine 475 with threonine.
Molecular consequence: missense variant. On other transcripts: non-coding transcript variant (1).
Genome position (GRCh38, 1-based): chr12:75,050,581, T>G on the plus strand (A>C on the coding strand, the complement: KCNC2 is on the minus strand). VCF-style: chr12-75050581-T-G. GRCh37 (hg19) VCF-style: chr12-75444361-T-G.
Other names: c.1424A>C, p.Asn475Thr (NM_001260497.2, NM_001260498.2, NM_001260499.2 and 13 more transcripts); short protein forms N475T.
Identifiers: ClinVar variation 2662299 (VCV002662299.1), dbSNP rs2547843590, ClinGen allele CA385925144.

ClinVar aggregate classification (germline): Uncertain significance (1 of 4 stars; one submission).

Submission:

GeneDx
Classification: Uncertain significance. Last evaluated: 2023-05-11. Review status: criteria provided, single submitter. Criteria: GeneDx Variant Classification Process June 2021. Collection method: clinical testing. Allele origin: germline. Affected: yes.
Comment: Not observed at significant frequency in large population cohorts (gnomAD); In silico analysis supports that this missense variant has a deleterious effect on protein structure/function; Has not been previously published as pathogenic or benign to our knowledge